The following is an entry in ClinVar:

ClinVar aggregate classification (germline): Uncertain significance (1 of 4 stars; one submission).

Conditions:
Mitochondrial complex II deficiency, nuclear type 1. Also called: SUCCINATE CoQ REDUCTASE DEFICIENCY. Identifiers: Orphanet 3208, MedGen C5700310, MONDO:0100294, OMIM 252011.
Pheochromocytoma/paraganglioma syndrome 5. Also called: Paragangliomas 5; SDHA-Related Hereditary Paraganglioma-Pheochromocytoma Syndrome. Identifiers: Orphanet 29072, MedGen C3279992, MONDO:0013602, OMIM 614165.

Submission:

Labcorp Genetics (formerly Invitae), Labcorp
Classification: Uncertain significance for Pheochromocytoma/paraganglioma syndrome 5; Mitochondrial complex II deficiency, nuclear type 1. Last evaluated: 2024-11-15. Review status: criteria provided, single submitter. Criteria: Invitae Variant Classification Sherloc (09022015). Collection method: clinical testing. Allele origin: germline.
Comment: This sequence change replaces threonine, which is neutral and polar, with alanine, which is neutral and non-polar, at codon 126 of the SDHA protein (p.Thr126Ala). This variant is not present in population databases (gnomAD no frequency). This variant has not been reported in the literature in individuals affected with SDHA-related conditions. Invitae Evidence Modeling of protein sequence and biophysical properties (such as structural, functional, and spatial information, amino acid conservation, physicochemical variation, residue mobility, and thermodynamic stability) has been performed for this missense variant. However, the output from this modeling did not meet the statistical confidence thresholds required to predict the impact of this variant on SDHA protein function. In summary, the available evidence is currently insufficient to determine the role of this variant in disease. Therefore, it has been classified as a Variant of Uncertain Significance.

NM_004168.4(SDHA):c.376A>G (p.Thr126Ala)

Gene: SDHA (succinate dehydrogenase complex flavoprotein subunit A; plus strand). Cytogenetic location: 5p15.33.
Variant type: single nucleotide variant.
Coding change: c.376A>G on transcript NM_004168.4 (MANE Select); coding-DNA position 376, A replaced by G.
Protein change: p.Thr126Ala; replaces threonine 126 with alanine.
Molecular consequence: missense variant. On other transcripts: intron variant (1).
Genome position (GRCh38, 1-based): chr5:225,482, A>G. VCF-style: chr5-225482-A-G. GRCh37 (hg19) VCF-style: chr5-225597-A-G.
Other names: c.376A>G, p.Thr126Ala (NM_001330758.2); c.313-401A>G (NM_001294332.2); short protein forms T126A.
Identifiers: ClinVar variation 3754183 (VCV003754183.2).